The following is an entry in ClinVar:

ClinVar aggregate classification (germline): Uncertain significance (1 of 4 stars; one submission).

Conditions:
Gorlin syndrome. Also called: Basal cell nevus syndrome; Nevoid Basal Cell Carcinoma Syndrome. Identifiers: Orphanet 377, MedGen C0004779, MONDO:0007187.

Allele frequency attached by ClinVar (database versions not stated): gnomAD exomes below 0.00001; TOPMed below 0.00001; gnomAD 0.00001.
gnomAD v4.1: 6 of 1,614,036 alleles (0.00037%); highest among the groups gnomAD compares: Non-Finnish European, 0.00051%; no homozygotes.

Submission:

Labcorp Genetics (formerly Invitae), Labcorp
Classification: Uncertain significance for Gorlin syndrome. Last evaluated: 2024-10-16. Review status: criteria provided, single submitter. Criteria: Invitae Variant Classification Sherloc (09022015). Collection method: clinical testing. Allele origin: germline.
Comment: This sequence change falls in intron 9 of the PTCH2 gene. It does not directly change the encoded amino acid sequence of the PTCH2 protein. It affects a nucleotide within the consensus splice site. This variant is not present in population databases (gnomAD no frequency). This variant has not been reported in the literature in individuals affected with PTCH2-related conditions. Variants that disrupt the consensus splice site are a relatively common cause of aberrant splicing (PMID: 17576681, 9536098). Algorithms developed to predict the effect of sequence changes on RNA splicing suggest that this variant is not likely to affect RNA splicing. In summary, the available evidence is currently insufficient to determine the role of this variant in disease. Therefore, it has been classified as a Variant of Uncertain Significance.

Literature cited by the submitters: PubMed 17576681; PubMed 9536098.

NM_003738.5(PTCH2):c.1215+4G>A

Gene: PTCH2 (patched 2; minus strand). Cytogenetic location: 1p34.1.
Variant type: single nucleotide variant.
Coding change: c.1215+4G>A on transcript NM_003738.5 (MANE Select); 4 bases into the intron after coding-DNA position 1215, G replaced by A.
Molecular consequence: intron variant.
Genome position (GRCh38, 1-based): chr1:44,829,398, C>T on the plus strand (G>A on the coding strand, the complement: PTCH2 is on the minus strand). VCF-style: chr1-44829398-C-T. GRCh37 (hg19) VCF-style: chr1-45295070-C-T.
Other names: c.1215+4G>A (NM_001166292.2).
Identifiers: ClinVar variation 2782408 (VCV002782408.3), dbSNP rs1653323736, ClinGen allele CA1001247048.